The following is an entry in ClinVar:

ClinVar aggregate classification (germline): Uncertain significance (1 of 4 stars; one submission).

gnomAD v4.1: 3 of 1,612,448 alleles (0.00019%); highest among the groups gnomAD compares: Admixed American, 0.0017%; no homozygotes.

Submission:

Labcorp Genetics (formerly Invitae), Labcorp
Classification: Uncertain significance. Last evaluated: 2025-10-02. Review status: criteria provided, single submitter. Criteria: Invitae Variant Classification Sherloc (09022015). Collection method: clinical testing. Allele origin: germline.
Comment: This sequence change replaces aspartic acid, which is acidic and polar, with asparagine, which is neutral and polar, at codon 309 of the PACS2 protein (p.Asp309Asn). This variant is present in population databases (no rsID available, gnomAD 0.003%). This variant has not been reported in the literature in individuals affected with PACS2-related conditions. ClinVar contains an entry for this variant (Variation ID: 3618961). An algorithm developed to predict the effect of missense changes on protein structure and function (PolyPhen-2) suggests that this variant is likely to be disruptive. In summary, the available evidence is currently insufficient to determine the role of this variant in disease. Therefore, it has been classified as a Variant of Uncertain Significance.

NM_001100913.3(PACS2):c.925G>A (p.Asp309Asn)

Gene: PACS2 (phosphofurin acidic cluster sorting protein 2; plus strand). Cytogenetic location: 14q32.33.
Variant type: single nucleotide variant.
Coding change: c.925G>A on transcript NM_001100913.3 (MANE Select); coding-DNA position 925, G replaced by A.
Protein change: p.Asp309Asn; replaces aspartic acid 309 with asparagine.
Molecular consequence: missense variant.
Genome position (GRCh38, 1-based): chr14:105,376,891, G>A. VCF-style: chr14-105376891-G-A. GRCh37 (hg19) VCF-style: chr14-105843228-G-A.
Other names: c.700G>A, p.Asp234Asn (NM_001243127.3); c.925G>A, p.Asp309Asn (NM_015197.4); short protein forms D234N, D309N.
Identifiers: ClinVar variation 3618961 (VCV003618961.2).
Genomic context (GRCh38, chr14:105,376,891, plus strand): 5'-CTGTATGACACCCTGGACATGGAGCACCCCAGCGACAGCGGCCCCGACATGGAGGATGAC[G>A]ACAGCGTCCTCAGCACCCCCAAGCCGAAGCTGCGGTGAGCCCTACAGGGCGGGGCGGGGA-3'
Protein context (NP_001094383.2, residues 299-319): SDSGPDMEDD[Asp309Asn]SVLSTPKPKL